The following is an entry in ClinVar:

ClinVar aggregate classification (germline): Pathogenic (1 of 4 stars; one submission).

Submission:

Labcorp Genetics (formerly Invitae), Labcorp
Classification: Pathogenic. Last evaluated: 2024-06-08. Review status: criteria provided, single submitter. Criteria: Invitae Variant Classification Sherloc (09022015). Collection method: clinical testing. Allele origin: germline.
Comment: This sequence change creates a premature translational stop signal (p.Met622Cysfs*40) in the MYO7A gene. It is expected to result in an absent or disrupted protein product. Loss-of-function variants in MYO7A are known to be pathogenic (PMID: 8900236, 25404053). This variant is not present in population databases (gnomAD no frequency). This variant has not been reported in the literature in individuals affected with MYO7A-related conditions. For these reasons, this variant has been classified as Pathogenic.

Literature cited by the submitters: PubMed 8900236; PubMed 25404053.

NM_000260.4(MYO7A):c.1864del (p.Met622fs)

Gene: MYO7A (myosin VIIA; plus strand). Cytogenetic location: 11q13.5.
Variant type: Deletion.
Coding change: c.1864del on transcript NM_000260.4 (MANE Select); coding-DNA position 1864, one base deleted (A; older notation c.1864delA).
Protein change: p.Met622fs; shifts the reading frame from methionine 622.
Molecular consequence: frameshift variant.
Genome position (GRCh38, 1-based): chr11:77,172,814, A deleted. VCF-style (leftmost placement, unchanged base first): chr11-77172813-GA-G. GRCh37 (hg19) VCF-style: chr11-76883859-GA-G.
Other names: c.1864del, p.Met622fs (NM_001127180.2); c.1831del, p.Met611fs (NM_001369365.1); short protein forms M622fs, M611fs.
Identifiers: ClinVar variation 3655872 (VCV003655872.2).